The following is an entry in ClinVar:

ClinVar aggregate classification (germline): Uncertain significance (1 of 4 stars; one submission).

Conditions:
Leber congenital amaurosis 17 (LCA17). Identifiers: Orphanet 65, MedGen C3715164, MONDO:0014145, OMIM 615360.
Microphthalmia, isolated, with coloboma 6 (MCOPCB6). Also called: Microphthalmia with coloboma 6, digenic; Microphthalmia with coloboma 6; MICROPHTHALMIA/COLOBOMA 6. Identifiers: Orphanet 98938, MedGen C3150968, MONDO:0013376, OMIM 613703.
Klippel-Feil syndrome 1, autosomal dominant (KFS1). Also called: CERVICAL VERTEBRAL FUSION, AUTOSOMAL DOMINANT. Identifiers: Orphanet 2345, MedGen C1861689, MONDO:0007306, OMIM 118100.
Isolated microphthalmia 4. Identifiers: Orphanet 2542, MedGen C2751307, MONDO:0013130, OMIM 613094.

gnomAD v4.1: 3 of 1,510,244 alleles (0.0002%); highest among the groups gnomAD compares: African/African-American, 0.0043%; no homozygotes.

Submission:

Labcorp Genetics (formerly Invitae), Labcorp
Classification: Uncertain significance for Isolated microphthalmia 4; Leber congenital amaurosis 17; Klippel-Feil syndrome 1, autosomal dominant; Microphthalmia, isolated, with coloboma 6. Last evaluated: 2024-11-27. Review status: criteria provided, single submitter. Criteria: Invitae Variant Classification Sherloc (09022015). Collection method: clinical testing. Allele origin: germline.
Comment: This sequence change replaces arginine, which is basic and polar, with leucine, which is neutral and non-polar, at codon 286 of the GDF6 protein (p.Arg286Leu). This variant is not present in population databases (gnomAD no frequency). This variant has not been reported in the literature in individuals affected with GDF6-related conditions. Invitae Evidence Modeling of protein sequence and biophysical properties (such as structural, functional, and spatial information, amino acid conservation, physicochemical variation, residue mobility, and thermodynamic stability) indicates that this missense variant is not expected to disrupt GDF6 protein function with a negative predictive value of 80%. In summary, the available evidence is currently insufficient to determine the role of this variant in disease. Therefore, it has been classified as a Variant of Uncertain Significance.

NM_001001557.4(GDF6):c.857G>T (p.Arg286Leu)

Gene: GDF6 (growth differentiation factor 6; minus strand). Cytogenetic location: 8q22.1.
Variant type: single nucleotide variant.
Coding change: c.857G>T on transcript NM_001001557.4 (MANE Select); coding-DNA position 857, G replaced by T.
Protein change: p.Arg286Leu; replaces arginine 286 with leucine.
Molecular consequence: missense variant.
Genome position (GRCh38, 1-based): chr8:96,145,074, C>A on the plus strand (G>T on the coding strand, the complement: GDF6 is on the minus strand). VCF-style: chr8-96145074-C-A. GRCh37 (hg19) VCF-style: chr8-97157302-C-A.
Other names: short protein forms R286L.
Identifiers: ClinVar variation 3763211 (VCV003763211.2).